The following is an entry in ClinVar:

NM_147127.5(EVC2):c.273dup (p.Lys92Ter)

Gene: EVC2 (EvC ciliary complex subunit 2; minus strand). Cytogenetic location: 4p16.2.
Variant type: Duplication.
Coding change: c.273dup on transcript NM_147127.5 (MANE Select); coding-DNA position 273, one base duplicated (T; older notation c.273dupT).
Protein change: p.Lys92Ter; replaces lysine 92 with a stop codon.
Molecular consequence: nonsense.
Genome position (GRCh38, 1-based): chr4:5,697,603, A duplicated on the plus strand (T on the coding strand, the reverse complement: EVC2 is on the minus strand); the first of 3 consecutive A bases (chr4:5,697,603-5,697,605); duplicating any one gives the same sequence. VCF-style (leftmost placement, unchanged base first): chr4-5697602-T-TA. GRCh37 (hg19) VCF-style: chr4-5699329-T-TA.
Other names: c.33dup, p.Lys12Ter (NM_001166136.2); short protein forms K12*, K92*.
Identifiers: ClinVar variation 1458519 (VCV001458519.10), dbSNP rs2151739536, ClinGen allele CA2573138265.

ClinVar aggregate classification (germline): Pathogenic. Review status: criteria provided, multiple submitters, no conflicts (2 of 4 stars). 2 submissions from 2 submitters: Pathogenic (2). Last evaluated 2025-09-15.

Conditions:
Ellis-van Creveld syndrome (EVC). Also called: EVC-Related Ellis-van Creveld Syndrome; EVC2-Related Ellis-van Creveld Syndrome; MESOECTODERMAL DYSPLASIA; Chondroectodermal dysplasia. Identifiers: Orphanet 289, MedGen C0013903, MONDO:0009162, OMIM 225500.
Curry-Hall syndrome (WAD). Also called: WEYERS ACRODENTAL DYSOSTOSIS. Identifiers: Orphanet 952, MedGen C0457013, MONDO:0008673, OMIM 193530.

Submissions (2):

Labcorp Genetics (formerly Invitae), Labcorp
Classification: Pathogenic for Curry-Hall syndrome; Ellis-van Creveld syndrome. Last evaluated: 2025-09-15. Review status: criteria provided, single submitter. Criteria: Invitae Variant Classification Sherloc (09022015). Collection method: clinical testing. Allele origin: germline.
Comment: This sequence change creates a premature translational stop signal (p.Lys92*) in the EVC2 gene. It is expected to result in an absent or disrupted protein product. Loss-of-function variants in EVC2 are known to be pathogenic (PMID: 17024374, 19810119, 19876929). This variant is not present in population databases (gnomAD no frequency). This premature translational stop signal has been observed in individual(s) with autosomal recessive Ellis-van Creveld syndrome (PMID: 17024374). ClinVar contains an entry for this variant (Variation ID: 1458519). For these reasons, this variant has been classified as Pathogenic.

Fulgent Genetics
Classification: Pathogenic for Curry-Hall syndrome; Ellis-van Creveld syndrome. Last evaluated: 2021-07-28. Review status: criteria provided, single submitter. Criteria: ACMG Guidelines, 2015. Collection method: clinical testing. Allele origin: unknown.

Literature cited by the submitters: PubMed 17024374 (cited by Labcorp Genetics (formerly Invitae), Labcorp); PubMed 19810119 (cited by Labcorp Genetics (formerly Invitae), Labcorp); PubMed 19876929 (cited by Labcorp Genetics (formerly Invitae), Labcorp).